The following is an entry in ClinVar:

NM_002137.4(HNRNPA2B1):c.715C>T (p.Pro239Ser)

Gene: HNRNPA2B1 (heterogeneous nuclear ribonucleoprotein A2/B1; minus strand). Cytogenetic location: 7p15.2.
Variant type: single nucleotide variant.
Coding change: c.715C>T on transcript NM_002137.4 (MANE Select); coding-DNA position 715, C replaced by T.
Protein change: p.Pro239Ser; replaces proline 239 with serine.
Molecular consequence: missense variant.
Genome position (GRCh38, 1-based): chr7:26,195,853, G>A on the plus strand (C>T on the coding strand, the complement: HNRNPA2B1 is on the minus strand). VCF-style: chr7-26195853-G-A. GRCh37 (hg19) VCF-style: chr7-26235473-G-A.
Other names: c.751C>T, p.Pro251Ser (NM_031243.4); short protein forms P239S, P251S.
Identifiers: ClinVar variation 1404442 (VCV001404442.9), dbSNP rs1182485259, ClinGen allele CA367077028.

ClinVar aggregate classification (germline): Uncertain significance. Review status: criteria provided, multiple submitters, no conflicts (2 of 4 stars). 2 submissions from 2 submitters: Uncertain significance (2). Last evaluated 2025-05-25.

Conditions:
Inclusion body myopathy with early-onset Paget disease with or without frontotemporal dementia 2 (IBMPFD2). Also called: MULTISYSTEM PROTEINOPATHY 2. Identifiers: MedGen C3809468, MONDO:0014178, OMIM 615422.
Inborn genetic diseases. Identifiers: MedGen C0950123, MeSH D030342.

Allele frequency attached by ClinVar (database versions not stated): gnomAD 0.00004 and 0.00005; TOPMed 0.00004.
gnomAD v4.1: 8 of 1,610,516 alleles (0.0005%); highest among the groups gnomAD compares: Admixed American, 0.01%; no homozygotes.

Submissions (2):

Ambry Genetics
Classification: Uncertain significance for Inborn genetic diseases. Last evaluated: 2025-05-25. Review status: criteria provided, single submitter. Criteria: Ambry Variant Classification Scheme 2023. Collection method: clinical testing. Allele origin: germline.

Labcorp Genetics (formerly Invitae), Labcorp
Classification: Uncertain significance for Inclusion body myopathy with early-onset Paget disease with or without frontotemporal dementia 2. Last evaluated: 2024-07-25. Review status: criteria provided, single submitter. Criteria: Invitae Variant Classification Sherloc (09022015). Collection method: clinical testing. Allele origin: germline.
Comment: This sequence change replaces proline, which is neutral and non-polar, with serine, which is neutral and polar, at codon 251 of the HNRNPA2B1 protein (p.Pro251Ser). This variant is present in population databases (no rsID available, gnomAD no frequency). This variant has not been reported in the literature in individuals affected with HNRNPA2B1-related conditions. ClinVar contains an entry for this variant (Variation ID: 1404442). Advanced modeling of protein sequence and biophysical properties (such as structural, functional, and spatial information, amino acid conservation, physicochemical variation, residue mobility, and thermodynamic stability) performed at Invitae indicates that this missense variant is not expected to disrupt HNRNPA2B1 protein function with a negative predictive value of 80%. In summary, the available evidence is currently insufficient to determine the role of this variant in disease. Therefore, it has been classified as a Variant of Uncertain Significance.